The following is an entry in ClinVar:

NM_000406.2(GNRHR):c.-62G>A

Gene: GNRHR (gonadotropin releasing hormone receptor; minus strand). Cytogenetic location: 4q13.2.
Variant type: single nucleotide variant.
Coding change: c.-62G>A on transcript NM_000406.2; 62 bases upstream of the start codon, G replaced by A.
Genome position (GRCh38, 1-based): chr4:67,754,397, C>T on the plus strand (G>A on the coding strand, the complement: GNRHR is on the minus strand). VCF-style: chr4-67754397-C-T. GRCh37 (hg19) VCF-style: chr4-68620115-C-T.
Identifiers: ClinVar variation 349457 (VCV000349457.10), dbSNP rs2627261, ClinGen allele CA10621570.

ClinVar aggregate classification (germline): Benign/Likely benign. Review status: criteria provided, multiple submitters, no conflicts (2 of 4 stars). 3 submissions from 3 submitters: Benign (1); Likely benign (2). Last evaluated 2018-09-22.

Conditions:
Hypogonadotropic hypogonadism 7 with or without anosmia (HH7). Also called: HYPOGONADOTROPIC HYPOGONADISM 7 WITHOUT ANOSMIA; GNRHR-Related GnRH Deficiency. Identifiers: Orphanet 432, MedGen C0342384, MONDO:0007794, OMIM 146110.

Allele frequency attached by ClinVar (database versions not stated): gnomAD 0.09015 and 0.08412; 1000 Genomes Project 30x 0.10650; 1000 Genomes Project 0.10144; TOPMed 0.09513; gnomAD exomes 0.00869.

Submissions (3):

GeneDx
Classification: Benign. Last evaluated: 2018-09-22. Review status: criteria provided, single submitter. Criteria: GeneDx Variant Classification Process June 2021. Collection method: clinical testing. Allele origin: germline. Affected: yes.

Illumina Laboratory Services, Illumina
Classification: Likely benign for Hypogonadotropic hypogonadism 7 with or without anosmia. Last evaluated: 2017-04-27. Review status: criteria provided, single submitter. Criteria: ICSL Variant Classification Criteria 13 December 2019. Collection method: clinical testing. Allele origin: germline.
Comment: This variant was observed as part of a predisposition screen in an ostensibly healthy population. A literature search was performed for the gene, cDNA change, and amino acid change (where applicable). No publications were found based on this search. Allele frequency data from public databases allowed determination this variant is unlikely to cause disease. Therefore, this variant is classified as likely benign.

Breakthrough Genomics
Classification: Likely benign. Review status: criteria provided, single submitter. Criteria: ACMG Guidelines, 2015. Collection method: not provided. Allele origin: germline. Inheritance: Autosomal recessive inheritance. Affected: yes.